The following is an entry in ClinVar:

NM_001042492.3(NF1):c.952G>T (p.Glu318Ter)

Gene: NF1 (neurofibromin 1; plus strand). Cytogenetic location: 17q11.2.
Variant type: single nucleotide variant.
Coding change: c.952G>T on transcript NM_001042492.3 (MANE Select); coding-DNA position 952, G replaced by T.
Protein change: p.Glu318Ter; replaces glutamic acid 318 with a stop codon.
Molecular consequence: nonsense.
Genome position (GRCh38, 1-based): chr17:31,200,485, G>T. VCF-style: chr17-31200485-G-T. GRCh37 (hg19) VCF-style: chr17-29527503-G-T.
Other names: c.952G>T, p.Glu318Ter (NM_000267.4, NM_001128147.3); short protein forms E318*.
Identifiers: ClinVar variation 1767287 (VCV001767287.2), dbSNP rs2143872904, ClinGen allele CA398995842.

ClinVar aggregate classification (germline): Pathogenic (1 of 4 stars; one submission).

Conditions:
Cardiovascular phenotype. Identifiers: MedGen CN230736.
Hereditary cancer-predisposing syndrome. Also called: Hereditary Cancer Syndrome; Hereditary neoplastic syndrome; Neoplastic Syndromes, Hereditary; Tumor predisposition. Identifiers: Orphanet 140162, MedGen C0027672, MeSH D009386, MONDO:0015356.

Submission:

Ambry Genetics
Classification: Pathogenic for Cardiovascular phenotype; Hereditary cancer-predisposing syndrome. Last evaluated: 2022-03-28. Review status: criteria provided, single submitter. Criteria: Ambry Variant Classification Scheme 2023. Collection method: clinical testing. Allele origin: germline.
Comment: The p.E318* pathogenic mutation (also known as c.952G>T), located in coding exon 9 of the NF1 gene, results from a G to T substitution at nucleotide position 952. This changes the amino acid from a glutamic acid to a stop codon within coding exon 9. This alteration has been observed in at least one individual with a personal and/or family history that is consistent with NF1-related disease (Ambry internal data). This variant is considered to be rare based on population cohorts in the Genome Aggregation Database (gnomAD). This alteration is expected to result in loss of function by premature protein truncation or nonsense-mediated mRNA decay. As such, this alteration is interpreted as a disease-causing mutation.